The following is an entry in ClinVar:

ClinVar aggregate classification (germline): Uncertain significance. Review status: criteria provided, multiple submitters, no conflicts (2 of 4 stars). 3 submissions from 3 submitters: Uncertain significance (3). Last evaluated 2025-08-06.

Conditions:
Cardiovascular phenotype. Identifiers: MedGen CN230736.
Costello syndrome (CSTLO). Also called: HRAS-Related Costello Syndrome; FACIOCUTANEOSKELETAL SYNDROME; FCS SYNDROME. Identifiers: Orphanet 3071, MedGen C0587248, MONDO:0009026, OMIM 218040.

Allele frequency attached by ClinVar (database versions not stated): gnomAD exomes below 0.00001.
gnomAD v4.1: 1 of 1,613,770 alleles (0.000062%); highest among the groups gnomAD compares: Admixed American, 0.0017%; no homozygotes.

Submissions (3):

Labcorp Genetics (formerly Invitae), Labcorp
Classification: Uncertain significance for Costello syndrome. Last evaluated: 2025-08-06. Review status: criteria provided, single submitter. Criteria: Invitae Variant Classification Sherloc (09022015). Collection method: clinical testing. Allele origin: germline.
Comment: This sequence change replaces threonine, which is neutral and polar, with alanine, which is neutral and non-polar, at codon 124 of the HRAS protein (p.Thr124Ala). This variant is not present in population databases (gnomAD no frequency). This variant has not been reported in the literature in individuals affected with HRAS-related conditions. ClinVar contains an entry for this variant (Variation ID: 1046957). Invitae Evidence Modeling of protein sequence and biophysical properties (such as structural, functional, and spatial information, amino acid conservation, physicochemical variation, residue mobility, and thermodynamic stability) indicates that this missense variant is not expected to disrupt HRAS protein function with a negative predictive value of 95%. In summary, the available evidence is currently insufficient to determine the role of this variant in disease. Therefore, it has been classified as a Variant of Uncertain Significance.

Ambry Genetics
Classification: Uncertain significance for Cardiovascular phenotype. Last evaluated: 2025-01-14. Review status: criteria provided, single submitter. Criteria: Ambry Variant Classification Scheme 2023. Collection method: clinical testing. Allele origin: germline.

AiLife Diagnostics
Classification: Uncertain significance. Last evaluated: 2020-07-18. Review status: criteria provided, single submitter. Criteria: ACMG Guidelines, 2015. Collection method: clinical testing. Allele origin: germline. Affected: yes. Observed: 1 variant allele.

NM_005343.4(HRAS):c.370A>G (p.Thr124Ala)

Genes: HRAS (HRas proto-oncogene, GTPase; minus strand), LRRC56 (leucine rich repeat containing 56; plus strand). Cytogenetic location: 11p15.5.
Variant type: single nucleotide variant.
Coding change: c.370A>G on transcript NM_005343.4 (MANE Select); coding-DNA position 370, A replaced by G.
Protein change: p.Thr124Ala; replaces threonine 124 with alanine.
Molecular consequence: missense variant. On other transcripts: synonymous variant (1).
Genome position (GRCh38, 1-based): chr11:533,533, T>C on the plus strand (A>G on the coding strand, the complement: HRAS is on the minus strand). VCF-style: chr11-533533-T-C. GRCh37 (hg19) VCF-style: chr11-533533-T-C.
Other names: c.370A>G (NM_005343.2); c.370A>G, p.Thr124Ala (NM_001130442.3, NM_176795.5); c.51A>G, p.Ala17= (NM_001318054.2); short protein forms T124A.
Identifiers: ClinVar variation 1046957 (VCV001046957.11), dbSNP rs1851243906, ClinGen allele CA378923290.